The following is an entry in ClinVar:

ClinVar aggregate classification (germline): Uncertain significance. Review status: criteria provided, multiple submitters, no conflicts (2 of 4 stars). 2 submissions from 2 submitters: Uncertain significance (2). Last evaluated 2025-05-27.

Conditions:
Pulmonary fibrosis and/or bone marrow failure, Telomere-related, 3. Also called: PULMONARY FIBROSIS AND/OR BONE MARROW FAILURE SYNDROME, TELOMERE-RELATED, 3. Identifiers: Orphanet 2032, MedGen C4225346, MONDO:0014613, OMIM 616373.
Dyskeratosis congenita, autosomal recessive 5 (DKCB5). Identifiers: MedGen C3554656, MONDO:0014076, OMIM 615190.
Inborn genetic diseases. Identifiers: MedGen C0950123, MeSH D030342.

Submissions (2):

Ambry Genetics
Classification: Uncertain significance for Inborn genetic diseases. Last evaluated: 2025-05-27. Review status: criteria provided, single submitter. Criteria: Ambry Variant Classification Scheme 2023. Collection method: clinical testing. Allele origin: germline.
Comment: The p.S775I variant (also known as c.2324G>T), located in coding exon 25 of the RTEL1 gene, results from a G to T substitution at nucleotide position 2324. The serine at codon 775 is replaced by isoleucine, an amino acid with dissimilar properties. This amino acid position is conserved. In addition, this alteration is predicted to be tolerated by in silico analysis. Based on the available evidence, the clinical significance of this variant remains unclear.

Labcorp Genetics (formerly Invitae), Labcorp
Classification: Uncertain significance for Dyskeratosis congenita, autosomal recessive 5; Pulmonary fibrosis and/or bone marrow failure, Telomere-related, 3. Last evaluated: 2024-06-10. Review status: criteria provided, single submitter. Criteria: Invitae Variant Classification Sherloc (09022015). Collection method: clinical testing. Allele origin: germline.
Comment: This sequence change replaces serine, which is neutral and polar, with isoleucine, which is neutral and non-polar, at codon 775 of the RTEL1 protein (p.Ser775Ile). This variant is not present in population databases (gnomAD no frequency). This variant has not been reported in the literature in individuals affected with RTEL1-related conditions. An algorithm developed to predict the effect of missense changes on protein structure and function (PolyPhen-2) suggests that this variant is likely to be tolerated. In summary, the available evidence is currently insufficient to determine the role of this variant in disease. Therefore, it has been classified as a Variant of Uncertain Significance.

NM_001283009.2(RTEL1):c.2324G>T (p.Ser775Ile)

Genes: RTEL1 (regulator of telomere elongation helicase 1; plus strand), RTEL1-TNFRSF6B (RTEL1-TNFRSF6B readthrough (NMD candidate); plus strand). Cytogenetic location: 20q13.33.
Variant type: single nucleotide variant.
Coding change: c.2324G>T on transcript NM_001283009.2 (MANE Select); coding-DNA position 2324, G replaced by T.
Protein change: p.Ser775Ile; replaces serine 775 with isoleucine.
Molecular consequence: missense variant. On other transcripts: non-coding transcript variant (1).
Genome position (GRCh38, 1-based): chr20:63,690,352, G>T. VCF-style: chr20-63690352-G-T. GRCh37 (hg19) VCF-style: chr20-62321705-G-T.
Other names: c.1655G>T, p.Ser552Ile (NM_001283010.1); c.2324G>T, p.Ser775Ile (NM_016434.4); c.2396G>T, p.Ser799Ile (NM_032957.5); short protein forms S552I, S775I, S799I.
Identifiers: ClinVar variation 3756761 (VCV003756761.3).